The following is an entry in ClinVar:

ClinVar aggregate classification (germline): Pathogenic (1 of 4 stars; one submission).

Submission:

Labcorp Genetics (formerly Invitae), Labcorp
Classification: Pathogenic. Last evaluated: 2022-12-07. Review status: criteria provided, single submitter. Criteria: Invitae Variant Classification Sherloc (09022015). Collection method: clinical testing. Allele origin: germline.
Comment: For these reasons, this variant has been classified as Pathogenic. This sequence change creates a premature translational stop signal (p.Thr1104Argfs*2) in the POLE gene. It is expected to result in an absent or disrupted protein product. Loss-of-function variants in POLE are known to be pathogenic (PMID: 23230001, 25948378, 30503519). This variant is not present in population databases (gnomAD no frequency). This variant has not been reported in the literature in individuals affected with POLE-related conditions.

Literature cited by the submitters: PubMed 23230001; PubMed 25948378; PubMed 30503519.

NM_006231.4(POLE):c.3309del (p.Thr1104fs)

Gene: POLE (DNA polymerase epsilon, catalytic subunit; minus strand). Cytogenetic location: 12q24.33.
Variant type: Deletion.
Coding change: c.3309del on transcript NM_006231.4 (MANE Select); coding-DNA position 3309, one base deleted (C; older notation c.3309delC).
Protein change: p.Thr1104fs; shifts the reading frame from threonine 1104.
Molecular consequence: frameshift variant.
Genome position (GRCh38, 1-based): chr12:132,657,937, G deleted on the plus strand (C on the coding strand, the reverse complement: POLE is on the minus strand); the first of 3 consecutive G bases (chr12:132,657,937-132,657,939); deleting any one gives the same sequence. VCF-style (leftmost placement, unchanged base first): chr12-132657936-TG-T. GRCh37 (hg19) VCF-style: chr12-133234522-TG-T.
Other names: short protein forms T1104fs.
Identifiers: ClinVar variation 2814432 (VCV002814432.3), dbSNP rs2542008543, ClinGen allele CA2575358874.